The following is an entry in ClinVar:

NM_001378454.1(ALMS1):c.8161C>T (p.Arg2721Ter)

Gene: ALMS1 (ALMS1 centrosome and basal body associated protein; plus strand). Cytogenetic location: 2p13.1.
Variant type: single nucleotide variant.
Coding change: c.8161C>T on transcript NM_001378454.1 (MANE Select); coding-DNA position 8161, C replaced by T.
Protein change: p.Arg2721Ter; replaces arginine 2721 with a stop codon.
Molecular consequence: nonsense.
Genome position (GRCh38, 1-based): chr2:73,490,120, C>T. VCF-style: chr2-73490120-C-T. GRCh37 (hg19) VCF-style: chr2-73717247-C-T.
Other names: c.8164C>T, p.Arg2722Ter (NM_015120.4); c.8158C>T (NM_015120.2); short protein forms R2722*, R2721*.
Identifiers: ClinVar variation 3975 (VCV000003975.14), dbSNP rs193919340, ClinGen allele CA252958.

ClinVar aggregate classification (germline): Pathogenic. Review status: criteria provided, multiple submitters, no conflicts (2 of 4 stars). 7 submissions from 7 submitters: Pathogenic (5). 2 of the submissions do not count toward it. Last evaluated 2026-06-15.

Conditions:
Cardiovascular phenotype. Identifiers: MedGen CN230736.
ALMS1-related disorder. Also called: ALMS1-related condition.
Alstrom syndrome (ALMS). Identifiers: Orphanet 64, MedGen C0268425, MONDO:0008763, OMIM 203800.

Allele frequency attached by ClinVar (database versions not stated): gnomAD exomes 0.00001 and 0.00002; ExAC 0.00002; TOPMed below 0.00001.
gnomAD v4.1: 14 of 1,614,104 alleles (0.00087%); highest among the groups gnomAD compares: South Asian, 0.0044%; no homozygotes.

Submissions (7):

Ambry Genetics
Classification: Pathogenic for Cardiovascular phenotype. Last evaluated: 2026-06-15. Review status: criteria provided, single submitter. Criteria: Ambry Variant Classification Scheme 2023. Collection method: clinical testing. Allele origin: germline.
Comment: The p.R2722* pathogenic mutation (also known as c.8164C>T), located in coding exon 10 of the ALMS1 gene, results from a C to T substitution at nucleotide position 8164. This changes the amino acid from an arginine to a stop codon within coding exon 10. This variant has been identified in the homozygous state and/or in conjunction with other ALMS1 variant(s) in individual(s) with features consistent with Alstrom syndrome (Ozg&uuml;l RK et al. Clin Genet, 2007 Oct;72:351-6; Pereiro I et al. Eur J Hum Genet, 2011 Apr;19:485-8; Sheck L et al. BMJ Case Rep, 2011 Aug;2011:). This alteration is expected to result in loss of function by premature protein truncation or nonsense-mediated mRNA decay. As such, this alteration is interpreted as a disease-causing mutation.

Blueprint Genetics
Classification: Pathogenic for ALMS1-related disorders. Last evaluated: 2024-11-06. Review status: criteria provided, single submitter. Criteria: ACMG Guidelines, 2015. Collection method: clinical testing. Allele origin: germline. Affected: yes. Observed: 5 variant alleles.

Labcorp Genetics (formerly Invitae), Labcorp
Classification: Pathogenic for Alstrom syndrome. Last evaluated: 2023-12-13. Review status: criteria provided, single submitter. Criteria: Invitae Variant Classification Sherloc (09022015). Collection method: clinical testing. Allele origin: germline.
Comment: This sequence change creates a premature translational stop signal (p.Arg2722*) in the ALMS1 gene. It is expected to result in an absent or disrupted protein product. Loss-of-function variants in ALMS1 are known to be pathogenic (PMID: 17594715). This variant is present in population databases (rs193919340, gnomAD 0.006%). This premature translational stop signal has been observed in individual(s) with Alstrom syndrome (PMID: 17850632). It has also been observed to segregate with disease in related individuals. ClinVar contains an entry for this variant (Variation ID: 3975). For these reasons, this variant has been classified as Pathogenic.

GeneDx
Classification: Pathogenic. Last evaluated: 2023-01-18. Review status: criteria provided, single submitter. Criteria: GeneDx Variant Classification Process June 2021. Collection method: clinical testing. Allele origin: germline. Affected: yes.
Comment: Nonsense variant predicted to result in protein truncation or nonsense mediated decay in a gene for which loss of function is a known mechanism of disease; Not observed at significant frequency in large population cohorts (gnomAD); This variant is associated with the following publications: (PMID: 34426522, 17850632, 25864795, Gosadi2021[paper], BeaMascato2022[preprint], 26283575, 33981653, 33969109, 33101984, 17594715, 25296579, 22688943, Wicher2017[paper])

Fulgent Genetics
Classification: Pathogenic for Alstrom syndrome. Last evaluated: 2022-04-18. Review status: criteria provided, single submitter. Criteria: ACMG Guidelines, 2015. Collection method: clinical testing. Allele origin: unknown.

OMIM
Classification: Pathogenic for ALSTROM SYNDROME. Last evaluated: 2007-10-01. Review status: no assertion criteria provided. Collection method: literature only. Allele origin: germline. Not counted in ClinVar's aggregate classification.

Genomic Medicine Center of Excellence, King Faisal Specialist Hospital and Research Centre
Classification: Uncertain significance for Alstrom syndrome. Last evaluated: 2024-03-25. Review status: flagged submission. Criteria: ACMG Guidelines, 2015. Collection method: clinical testing. Allele origin: germline. Not counted in ClinVar's aggregate classification.
ClinVar note: Reason: Outlier claim with insufficient supporting evidence

Literature cited by the submitters: PubMed 17850632 (cited by 3 submitters); PubMed 21157496 (cited by Ambry Genetics); PubMed 22688943 (cited by Ambry Genetics); PubMed 17594715 (cited by Labcorp Genetics (formerly Invitae), Labcorp).